The following is an entry in ClinVar:

ClinVar aggregate classification (germline): Uncertain significance. Review status: criteria provided, multiple submitters, no conflicts (2 of 4 stars). 2 submissions from 2 submitters: Uncertain significance (2). Last evaluated 2025-08-14.

Conditions:
Inborn genetic diseases. Identifiers: MedGen C0950123, MeSH D030342.

Allele frequency attached by ClinVar (database versions not stated): gnomAD 0.00001; TOPMed 0.00002; gnomAD exomes 0.00003; ExAC 0.00004; ESP Exome Variant Server 0.00008.
gnomAD v4.1: 46 of 1,613,948 alleles (0.0029%); highest among the groups gnomAD compares: South Asian, 0.031%; no homozygotes.

Submissions (2):

Ambry Genetics
Classification: Uncertain significance for Inborn genetic diseases. Last evaluated: 2025-08-14. Review status: criteria provided, single submitter. Criteria: Ambry Variant Classification Scheme 2023. Collection method: clinical testing. Allele origin: germline.

Labcorp Genetics (formerly Invitae), Labcorp
Classification: Uncertain significance. Last evaluated: 2022-06-08. Review status: criteria provided, single submitter. Criteria: Invitae Variant Classification Sherloc (09022015). Collection method: clinical testing. Allele origin: germline.
Comment: This variant has not been reported in the literature in individuals affected with WDR4-related conditions. Algorithms developed to predict the effect of missense changes on protein structure and function are either unavailable or do not agree on the potential impact of this missense change (SIFT: "Deleterious"; PolyPhen-2: "Possibly Damaging"; Align-GVGD: "Class C0"). In summary, the available evidence is currently insufficient to determine the role of this variant in disease. Therefore, it has been classified as a Variant of Uncertain Significance. This variant is present in population databases (rs375403604, gnomAD 0.02%). This sequence change replaces arginine, which is basic and polar, with tryptophan, which is neutral and slightly polar, at codon 390 of the WDR4 protein (p.Arg390Trp).

NM_018669.6(WDR4):c.1168C>T (p.Arg390Trp)

Gene: WDR4 (WDR4 tRNA N7-guanosine methyltransferase non-catalytic subunit; minus strand). Cytogenetic location: 21q22.3.
Variant type: single nucleotide variant.
Coding change: c.1168C>T on transcript NM_018669.6 (MANE Select); coding-DNA position 1168, C replaced by T.
Protein change: p.Arg390Trp; replaces arginine 390 with tryptophan.
Molecular consequence: missense variant. On other transcripts: non-coding transcript variant (1).
Genome position (GRCh38, 1-based): chr21:42,850,120, G>A on the plus strand (C>T on the coding strand, the complement: WDR4 is on the minus strand). VCF-style: chr21-42850120-G-A. GRCh37 (hg19) VCF-style: chr21-44270230-G-A.
Other names: c.1168C>T (NM_018669.4); c.1165C>T, p.Arg389Trp (NM_001260474.2); c.730C>T, p.Arg244Trp (NM_001260475.2, NM_001260476.2, NM_001260477.2 and 1 more transcripts); c.1168C>T, p.Arg390Trp (NM_033661.5); short protein forms R244W, R389W, R390W.
Identifiers: ClinVar variation 2144900 (VCV002144900.5), dbSNP rs375403604, ClinGen allele CA10045768.